The following is an entry in ClinVar:

ClinVar aggregate classification (germline): Benign (1 of 4 stars; one submission).

Submissions (19):

CeGaT Center for Human Genetics Tuebingen
Classification: Benign. Last evaluated: 2023-01-01. Review status: criteria provided, single submitter. Criteria: CeGaT Center For Human Genetics Tuebingen Variant Classification Criteria Version 2. Collection method: clinical testing. Allele origin: germline. Affected: yes. Observed: 1 variant allele.
Comment: FCGBP: BP4, BS1, BS2

Dr. Peter K. Rogan Lab, Western University
No classification provided (evidence only). Condition: Malignant tumor of urinary bladder. Review status: no classification provided. Collection method: in vitro. Allele origin: not applicable. Functional consequence: retained intron. Not counted in ClinVar's aggregate classification.

Dr. Peter K. Rogan Lab, Western University
No classification provided (evidence only). Condition: Lung cancer. Review status: no classification provided. Collection method: in vitro. Allele origin: not applicable. Functional consequence: retained intron. Not counted in ClinVar's aggregate classification.

Dr. Peter K. Rogan Lab, Western University
No classification provided (evidence only). Condition: Lung cancer. Review status: no classification provided. Collection method: in vitro. Allele origin: not applicable. Functional consequence: retained intron. Not counted in ClinVar's aggregate classification.

Dr. Peter K. Rogan Lab, Western University
No classification provided (evidence only). Condition: Familial cancer of breast. Review status: no classification provided. Collection method: in vitro. Allele origin: not applicable. Functional consequence: retained intron. Not counted in ClinVar's aggregate classification.

Dr. Peter K. Rogan Lab, Western University
No classification provided (evidence only). Condition: Familial cancer of breast. Review status: no classification provided. Collection method: in vitro. Allele origin: not applicable. Functional consequence: retained intron. Not counted in ClinVar's aggregate classification.

Dr. Peter K. Rogan Lab, Western University
No classification provided (evidence only). Condition: Familial cancer of breast. Review status: no classification provided. Collection method: in vitro. Allele origin: not applicable. Functional consequence: retained intron. Not counted in ClinVar's aggregate classification.

Dr. Peter K. Rogan Lab, Western University
No classification provided (evidence only). Condition: Colon adenocarcinoma. Review status: no classification provided. Collection method: in vitro. Allele origin: not applicable. Functional consequence: retained intron. Not counted in ClinVar's aggregate classification.

Dr. Peter K. Rogan Lab, Western University
No classification provided (evidence only). Condition: Uterine corpus endometrial carcinoma. Review status: no classification provided. Collection method: in vitro. Allele origin: not applicable. Functional consequence: retained intron. Not counted in ClinVar's aggregate classification.

Dr. Peter K. Rogan Lab, Western University
No classification provided (evidence only). Condition: Uterine corpus endometrial carcinoma. Review status: no classification provided. Collection method: in vitro. Allele origin: not applicable. Functional consequence: retained intron. Not counted in ClinVar's aggregate classification.

Dr. Peter K. Rogan Lab, Western University
No classification provided (evidence only). Condition: Sarcoma. Review status: no classification provided. Collection method: in vitro. Allele origin: not applicable. Functional consequence: retained intron. Not counted in ClinVar's aggregate classification.

Dr. Peter K. Rogan Lab, Western University
No classification provided (evidence only). Condition: Nonpapillary renal cell carcinoma. Review status: no classification provided. Collection method: in vitro. Allele origin: not applicable. Functional consequence: retained intron. Not counted in ClinVar's aggregate classification.

Dr. Peter K. Rogan Lab, Western University
No classification provided (evidence only). Condition: Ovarian serous cystadenocarcinoma. Review status: no classification provided. Collection method: in vitro. Allele origin: not applicable. Functional consequence: retained intron. Not counted in ClinVar's aggregate classification.

Dr. Peter K. Rogan Lab, Western University
No classification provided (evidence only). Condition: Gastric cancer. Review status: no classification provided. Collection method: in vitro. Allele origin: not applicable. Functional consequence: retained intron. Not counted in ClinVar's aggregate classification.

Dr. Peter K. Rogan Lab, Western University
No classification provided (evidence only). Condition: Gastric cancer. Review status: no classification provided. Collection method: in vitro. Allele origin: not applicable. Functional consequence: retained intron. Not counted in ClinVar's aggregate classification.

Dr. Peter K. Rogan Lab, Western University
No classification provided (evidence only). Condition: Gastric cancer. Review status: no classification provided. Collection method: in vitro. Allele origin: not applicable. Functional consequence: retained intron. Not counted in ClinVar's aggregate classification.

Dr. Peter K. Rogan Lab, Western University
No classification provided (evidence only). Condition: Malignant tumor of esophagus. Review status: no classification provided. Collection method: in vitro. Allele origin: not applicable. Functional consequence: retained intron. Not counted in ClinVar's aggregate classification.

Dr. Peter K. Rogan Lab, Western University
No classification provided (evidence only). Condition: Malignant tumor of esophagus. Review status: no classification provided. Collection method: in vitro. Allele origin: not applicable. Functional consequence: retained intron. Not counted in ClinVar's aggregate classification.

Dr. Peter K. Rogan Lab, Western University
No classification provided (evidence only). Condition: Malignant tumor of esophagus. Review status: no classification provided. Collection method: in vitro. Allele origin: not applicable. Functional consequence: retained intron. Not counted in ClinVar's aggregate classification.

NM_003890.3(FCGBP):c.4785+5G>A

Gene: FCGBP (Fc gamma binding protein; minus strand). Cytogenetic location: 19q13.2.
Variant type: single nucleotide variant.
Coding change: c.4785+5G>A on transcript NM_003890.3 (MANE Select); 5 bases into the intron after coding-DNA position 4785, G replaced by A.
Molecular consequence: intron variant.
Other names: NC_000019.9:g.40407931C>T.
Identifiers: ClinVar variation 2649861 (VCV002649861.20), dbSNP rs1599893210, ClinGen allele CA9437118.